The following is an entry in ClinVar:

ClinVar aggregate classification (germline): Uncertain significance (1 of 4 stars; one submission).

Conditions:
Neuropathy, hereditary sensory, type 1F. Also called: Hereditary sensory neuropathy type IF; HSN IF. Identifiers: Orphanet 36386, MedGen C3810194, MONDO:0014286, OMIM 615632.

Allele frequency attached by ClinVar (database versions not stated): gnomAD exomes below 0.00001.
gnomAD v4.1: 1 of 1,614,198 alleles (0.000062%); highest among the groups gnomAD compares: Non-Finnish European, 0.000085%; no homozygotes.

Submission:

Labcorp Genetics (formerly Invitae), Labcorp
Classification: Uncertain significance for Neuropathy, hereditary sensory, type 1F. Last evaluated: 2020-12-08. Review status: criteria provided, single submitter. Criteria: Invitae Variant Classification Sherloc (09022015). Collection method: clinical testing. Allele origin: germline.
Comment: In summary, the available evidence is currently insufficient to determine the role of this variant in disease. Therefore, it has been classified as a Variant of Uncertain Significance. Algorithms developed to predict the effect of missense changes on protein structure and function (SIFT, PolyPhen-2, Align-GVGD) all suggest that this variant is likely to be tolerated, but these predictions have not been confirmed by published functional studies and their clinical significance is uncertain. This variant has not been reported in the literature in individuals with ATL3-related conditions. This variant is not present in population databases (ExAC no frequency). This sequence change replaces glutamine with arginine at codon 33 of the ATL3 protein (p.Gln33Arg). The glutamine residue is weakly conserved and there is a small physicochemical difference between glutamine and arginine.

NM_015459.5(ATL3):c.98A>G (p.Gln33Arg)

Gene: ATL3 (atlastin GTPase 3; minus strand). Cytogenetic location: 11q13.1.
Variant type: single nucleotide variant.
Coding change: c.98A>G on transcript NM_015459.5 (MANE Select); coding-DNA position 98, A replaced by G.
Protein change: p.Gln33Arg; replaces glutamine 33 with arginine.
Molecular consequence: missense variant.
Genome position (GRCh38, 1-based): chr11:63,659,201, T>C on the plus strand (A>G on the coding strand, the complement: ATL3 is on the minus strand). VCF-style: chr11-63659201-T-C. GRCh37 (hg19) VCF-style: chr11-63426673-T-C.
Other names: c.44A>G, p.Gln15Arg (NM_001290048.2); short protein forms Q15R, Q33R.
Identifiers: ClinVar variation 1394937 (VCV001394937.8), dbSNP rs2134524334, ClinGen allele CA381031237.